The following is an entry in ClinVar:

ClinVar aggregate classification (germline): Uncertain significance. Review status: criteria provided, multiple submitters, no conflicts (2 of 4 stars). 2 submissions from 2 submitters: Uncertain significance (2). Last evaluated 2025-09-19.

Conditions:
Tuberous sclerosis 2 (TSC2). Identifiers: Orphanet 805, MedGen C1860707, MONDO:0013199, OMIM 613254.
Hereditary cancer-predisposing syndrome. Also called: Neoplastic Syndromes, Hereditary; Tumor predisposition; Hereditary Cancer Syndrome; Hereditary neoplastic syndrome. Identifiers: Orphanet 140162, MedGen C0027672, MeSH D009386, MONDO:0015356.

Allele frequency attached by ClinVar (database versions not stated): gnomAD exomes below 0.00001.
gnomAD v4.1: 1 of 1,603,880 alleles (0.000062%); highest among the groups gnomAD compares: Non-Finnish European, 0.000085%; no homozygotes.

Submissions (2):

Labcorp Genetics (formerly Invitae), Labcorp
Classification: Uncertain significance for Tuberous sclerosis 2. Last evaluated: 2025-09-19. Review status: criteria provided, single submitter. Criteria: Invitae Variant Classification Sherloc (09022015). Collection method: clinical testing. Allele origin: germline.
Comment: This sequence change replaces phenylalanine, which is neutral and non-polar, with cysteine, which is neutral and slightly polar, at codon 1806 of the TSC2 protein (p.Phe1806Cys). This variant is not present in population databases (gnomAD no frequency). This variant has not been reported in the literature in individuals affected with TSC2-related conditions. ClinVar contains an entry for this variant (Variation ID: 1747397). Invitae Evidence Modeling of protein sequence and biophysical properties (such as structural, functional, and spatial information, amino acid conservation, physicochemical variation, residue mobility, and thermodynamic stability) has been performed for this missense variant. However, the output from this modeling did not meet the statistical confidence thresholds required to predict the impact of this variant on TSC2 protein function. RNA analysis performed to evaluate the impact of this missense change on mRNA splicing indicates it does not significantly alter splicing (internal data). In summary, the available evidence is currently insufficient to determine the role of this variant in disease. Therefore, it has been classified as a Variant of Uncertain Significance.

Ambry Genetics
Classification: Uncertain significance for Hereditary cancer-predisposing syndrome. Last evaluated: 2022-05-28. Review status: criteria provided, single submitter. Criteria: Ambry Variant Classification Scheme 2023. Collection method: clinical testing. Allele origin: germline.
Comment: The p.F1806C variant (also known as c.5417T>G), located in coding exon 41 of the TSC2 gene, results from a T to G substitution at nucleotide position 5417. The phenylalanine at codon 1806 is replaced by cysteine, an amino acid with highly dissimilar properties. This amino acid position is conserved. In addition, this alteration is predicted to be deleterious by in silico analysis. Since supporting evidence is limited at this time, the clinical significance of this alteration remains unclear.

NM_000548.5(TSC2):c.5417T>G (p.Phe1806Cys)

Gene: TSC2 (TSC complex subunit 2; plus strand). Cytogenetic location: 16p13.3.
Variant type: single nucleotide variant.
Coding change: c.5417T>G on transcript NM_000548.5 (MANE Select); coding-DNA position 5417, T replaced by G.
Protein change: p.Phe1806Cys; replaces phenylalanine 1806 with cysteine.
Molecular consequence: missense variant.
Genome position (GRCh38, 1-based): chr16:2,088,603, T>G. VCF-style: chr16-2088603-T-G. GRCh37 (hg19) VCF-style: chr16-2138604-T-G.
Other names: c.5216T>G, p.Phe1739Cys (NM_001077183.3); c.5348T>G, p.Phe1783Cys (NM_001114382.3); c.5108T>G, p.Phe1703Cys (NM_001318827.2); c.5072T>G, p.Phe1691Cys (NM_001318829.2); c.4685T>G, p.Phe1562Cys (NM_001318831.2); c.5249T>G, p.Phe1750Cys (NM_001318832.2); c.5219T>G, p.Phe1740Cys (NM_001363528.2); c.5201T>G, p.Phe1734Cys (NM_001406675.1); and 27 more; short protein forms F1292C, F1335C, F1540C, F1582C, F1720C, F1734C, F1740C, F1746C.
Identifiers: ClinVar variation 1747397 (VCV001747397.3), dbSNP rs2544521838, ClinGen allele CA394316287.